The following is an entry in ClinVar:

NM_017636.4(TRPM4):c.742C>T (p.Arg248Cys)

Gene: TRPM4 (transient receptor potential cation channel subfamily M member 4; plus strand). Cytogenetic location: 19q13.33.
Variant type: single nucleotide variant.
Coding change: c.742C>T on transcript NM_017636.4 (MANE Select); coding-DNA position 742, C replaced by T.
Protein change: p.Arg248Cys; replaces arginine 248 with cysteine.
Molecular consequence: missense variant. On other transcripts: 5 prime UTR variant (2).
Genome position (GRCh38, 1-based): chr19:49,168,682, C>T. VCF-style: chr19-49168682-C-T. GRCh37 (hg19) VCF-style: chr19-49671939-C-T.
Other names: c.742C>T, p.Arg248Cys (NM_001195227.2); c.397C>T, p.Arg133Cys (NM_001321281.2); c.-812C>T (NM_001321282.2); c.220C>T, p.Arg74Cys (NM_001321283.2); c.-108C>T (NM_001321285.2); short protein forms R248C, R74C, R133C.
Identifiers: ClinVar variation 518807 (VCV000518807.19), dbSNP rs373749900, ClinGen allele CA9568927.

ClinVar aggregate classification (germline): Conflicting classifications of pathogenicity. Review status: criteria provided, conflicting classifications (1 of 4 stars). 6 submissions from 6 submitters: Uncertain significance (2); Likely benign (4). Last evaluated 2026-03-27.

Conditions:
Cardiovascular phenotype. Identifiers: MedGen CN230736.
Progressive familial heart block type IB (PFHB1B). Identifiers: Orphanet 871, MedGen C1970298, MONDO:0011474, OMIM 604559.

Allele frequency attached by ClinVar (database versions not stated): TOPMed 0.00006; ESP Exome Variant Server 0.00008; gnomAD 0.00013 and 0.00014.
gnomAD v4.1: 100 of 1,611,152 alleles (0.0062%); highest among the groups gnomAD compares: Middle Eastern, 0.049%; no homozygotes.

Submissions (6):

Molecular Diagnostic Laboratory for Inherited Cardiovascular Disease, Montreal Heart Institute
Classification: Likely benign. Last evaluated: 2026-03-27. Review status: criteria provided, single submitter. Criteria: ACMG Guidelines, 2015. Collection method: clinical testing. Allele origin: germline. Affected: no.
Comment: BS1, BP4

Labcorp Genetics (formerly Invitae), Labcorp
Classification: Likely benign for Progressive familial heart block type IB. Last evaluated: 2025-12-23. Review status: criteria provided, single submitter. Criteria: Invitae Variant Classification Sherloc (09022015). Collection method: clinical testing. Allele origin: germline.

Women's Health and Genetics/Laboratory Corporation of America, LabCorp
Classification: Likely benign. Last evaluated: 2025-02-10. Review status: criteria provided, single submitter. Criteria: LabCorp Variant Classification Summary - May 2015. Collection method: clinical testing. Allele origin: germline.
Comment: Variant summary: TRPM4 c.742C>T (p.Arg248Cys) results in a non-conservative amino acid change in the encoded protein sequence. Four of five in-silico tools predict a damaging effect of the variant on protein function. The variant allele was found at a frequency of 9e-05 in 243780 control chromosomes, predominantly at a frequency of 0.00011 within the Non-Finnish European subpopulation in the gnomAD database. The observed variant frequency within Non-Finnish European control individuals in the gnomAD database is approximately 44 fold of the estimated maximal expected allele frequency for a pathogenic variant in TRPM4 causing Progressive Familial Heart Block Type 1B phenotype (2.5e-06). c.742C>T has been reported in the literature in an individual affected with sudden unexpected death in epilepsy who also had VUSs in other genes (Bagnall_2016). This report does not provide unequivocal conclusions about association of the variant with Progressive Familial Heart Block Type 1B. To our knowledge, no experimental evidence demonstrating an impact on protein function has been reported. The following publication has been ascertained in the context of this evaluation (PMID: 26704558). ClinVar contains an entry for this variant (Variation ID: 518807). Based on the evidence outlined above, the variant was classified as likely benign.

Blueprint Genetics
Classification: Likely benign. Last evaluated: 2024-11-21. Review status: criteria provided, single submitter. Criteria: ACMG Guidelines, 2015. Collection method: clinical testing. Allele origin: germline.

Ambry Genetics
Classification: Uncertain significance for Cardiovascular phenotype. Last evaluated: 2023-11-23. Review status: criteria provided, single submitter. Criteria: Ambry Variant Classification Scheme 2023. Collection method: clinical testing. Allele origin: germline.
Comment: The p.R248C variant (also known as c.742C>T), located in coding exon 6 of the TRPM4 gene, results from a C to T substitution at nucleotide position 742. The arginine at codon 248 is replaced by cysteine, an amino acid with highly dissimilar properties. This variant co-occurred with additional variants in other cardiac-related genes in a case of sudden unexpected death (Bagnall RD et al. Ann. Neurol., 2016 Apr;79:522-34). This amino acid position is not well conserved in available vertebrate species. In addition, this alteration is predicted to be tolerated by in silico analysis. Since supporting evidence is limited at this time, the clinical significance of this alteration remains unclear.

Illumina Laboratory Services, Illumina
Classification: Uncertain significance for Progressive familial heart block type IB. Last evaluated: 2017-07-18. Review status: criteria provided, single submitter. Criteria: ICSL Variant Classification Criteria 13 December 2019. Collection method: clinical testing. Allele origin: germline.
Comment: This variant was observed as part of a predisposition screen in an ostensibly healthy population. A literature search was performed for the gene, cDNA change, and amino acid change (where applicable). Publications were found based on this search. However, the evidence from the literature, in combination with allele frequency data from public databases where available, was not sufficient to rule this variant in or out of causing disease. Therefore, this variant is classified as a variant of unknown significance.

Literature cited by the submitters: PubMed 26704558 (cited by 3 submitters).